The following is an entry in ClinVar:

NM_018325.5(C9orf72):c.1259+8A>C

Gene: C9orf72 (C9orf72-SMCR8 complex subunit; minus strand). Cytogenetic location: 9p21.2.
Variant type: single nucleotide variant.
Coding change: c.1259+8A>C on transcript NM_018325.5 (MANE Select); 8 bases into the intron after coding-DNA position 1259, A replaced by C.
Molecular consequence: intron variant.
Genome position (GRCh38, 1-based): chr9:27,548,549, T>G on the plus strand (A>C on the coding strand, the complement: C9orf72 is on the minus strand). VCF-style: chr9-27548549-T-G. GRCh37 (hg19) VCF-style: chr9-27548547-T-G.
Other names: c.1259+8A>C (NM_001256054.3).
Identifiers: ClinVar variation 912954 (VCV000912954.4), dbSNP rs182259442, ClinGen allele CA5017702.

ClinVar aggregate classification (germline): Likely benign (1 of 4 stars; one submission).

Conditions:
Frontotemporal dementia and/or amyotrophic lateral sclerosis 1 (FTDALS1). Also called: C9orf72 Frontotemporal Dementia and/or Amyotrophic Lateral Sclerosis; Frontotemporal dementia with motor neuron disease 1. Identifiers: Orphanet 275872, MedGen C5779877, MONDO:0007105, OMIM 105550.

Allele frequency attached by ClinVar (database versions not stated): gnomAD 0.00001 and 0.00002; TOPMed 0.00001; 1000 Genomes Project 30x 0.00016; 1000 Genomes Project 0.00020; gnomAD exomes 0.00002.

Submission:

Illumina Laboratory Services, Illumina
Classification: Likely benign for Frontotemporal dementia and/or amyotrophic lateral sclerosis 1. Last evaluated: 2018-01-13. Review status: criteria provided, single submitter. Criteria: ICSL Variant Classification Criteria 13 December 2019. Collection method: clinical testing. Allele origin: germline.
Comment: This variant was observed in the ICSL laboratory as part of a predisposition screen in an ostensibly healthy population. It had not been previously curated by ICSL or reported in the Human Gene Mutation Database (HGMD: prior to June 1st, 2018), and was therefore a candidate for classification through an automated scoring system. Utilizing variant allele frequency, disease prevalence and penetrance estimates, and inheritance mode, an automated score was calculated to assess if this variant is too frequent to cause the disease. Based on the score and internal cut-off values, a variant classified as likely benign is not then subjected to further curation. The score for this variant resulted in a classification of likely benign for this disease.